The following is an entry in ClinVar:

NM_004519.4(KCNQ3):c.259C>T (p.Leu87Phe)

Gene: KCNQ3 (potassium voltage-gated channel subfamily Q member 3; minus strand). Cytogenetic location: 8q24.22.
Variant type: single nucleotide variant.
Coding change: c.259C>T on transcript NM_004519.4 (MANE Select); coding-DNA position 259, C replaced by T.
Protein change: p.Leu87Phe; replaces leucine 87 with phenylalanine.
Molecular consequence: missense variant.
Genome position (GRCh38, 1-based): chr8:132,480,274, G>A on the plus strand (C>T on the coding strand, the complement: KCNQ3 is on the minus strand). VCF-style: chr8-132480274-G-A. GRCh37 (hg19) VCF-style: chr8-133492521-G-A.
Other names: short protein forms L87F.
Identifiers: ClinVar variation 640814 (VCV000640814.8), dbSNP rs752131052, ClinGen allele CA4880986.
Genomic context (GRCh38, chr8:132,480,274, plus strand): 5'-TGCGCCGGTACTTGGCGTTGTTTCTCTTGACTGGGCGGCTCAGCGGGGTCTTGGCCAGGA[G>A]CCCGATGCCCTGCGGGGTCCTCCGCTGCCCCTCGTCGCGGCCGCCGCCCTCCAGCAGCAG-3'
Protein context (NP_004510.1, residues 77-97): GQRRTPQGIG[Leu87Phe]LAKTPLSRPV

ClinVar aggregate classification (germline): Uncertain significance (1 of 4 stars; one submission).

Conditions:
Benign neonatal seizures. Also called: Benign familial neonatal seizures; Convulsions benign familial neonatal dominant form; Autosomal dominant form of benign neonatal seizures; Benign neonatal familial convulsions; Benign familial neonatal epilepsy. Identifiers: Orphanet 1949, MedGen C0220669, MONDO:0016027.

Allele frequency attached by ClinVar (database versions not stated): gnomAD exomes 0.00001; TOPMed 0.00001; ExAC 0.00001; gnomAD 0.00001.

Submission:

Labcorp Genetics (formerly Invitae), Labcorp
Classification: Uncertain significance for Benign neonatal seizures. Last evaluated: 2023-08-30. Review status: criteria provided, single submitter. Criteria: Invitae Variant Classification Sherloc (09022015). Collection method: clinical testing. Allele origin: germline.
Comment: This sequence change replaces leucine, which is neutral and non-polar, with phenylalanine, which is neutral and non-polar, at codon 87 of the KCNQ3 protein (p.Leu87Phe). This variant is present in population databases (rs752131052, gnomAD 0.006%). This variant has not been reported in the literature in individuals affected with KCNQ3-related conditions. ClinVar contains an entry for this variant (Variation ID: 640814). Advanced modeling of protein sequence and biophysical properties (such as structural, functional, and spatial information, amino acid conservation, physicochemical variation, residue mobility, and thermodynamic stability) performed at Invitae indicates that this missense variant is not expected to disrupt KCNQ3 protein function. In summary, the available evidence is currently insufficient to determine the role of this variant in disease. Therefore, it has been classified as a Variant of Uncertain Significance.